The following is an entry in ClinVar:

NM_000157.4(GBA1):c.901C>T (p.Arg301Cys)

Genes: GBA1 (glucosylceramidase beta 1; minus strand), LOC106627981 (GBA recombination region; plus strand). Cytogenetic location: 1q22.
Variant type: single nucleotide variant.
Coding change: c.901C>T on transcript NM_000157.4 (MANE Select); coding-DNA position 901, C replaced by T.
Protein change: p.Arg301Cys; replaces arginine 301 with cysteine.
Molecular consequence: missense variant.
Genome position (GRCh38, 1-based): chr1:155,237,439, G>A on the plus strand (C>T on the coding strand, the complement: GBA1 is on the minus strand). VCF-style: chr1-155237439-G-A. GRCh37 (hg19) VCF-style: chr1-155207230-G-A.
Other names: c.901C>T, p.Arg301Cys (NM_001005741.3, NM_001005742.3); c.640C>T, p.Arg214Cys (NM_001171811.2); c.754C>T, p.Arg252Cys (NM_001171812.2); short protein forms R214C, R252C, R301C.
Identifiers: ClinVar variation 1303549 (VCV001303549.27), dbSNP rs374117599, ClinGen allele CA1141665.

ClinVar aggregate classification (germline): Conflicting classifications of pathogenicity. Review status: criteria provided, conflicting classifications (1 of 4 stars). 3 submissions from 3 submitters: Likely pathogenic (1); Uncertain significance (2). Last evaluated 2023-10-01.

Allele frequency attached by ClinVar (database versions not stated): gnomAD 0.00002; gnomAD exomes 0.00002 and 0.00004; TOPMed 0.00002; ExAC 0.00004; ESP Exome Variant Server 0.00008.
gnomAD v4.1: 33 of 1,613,864 alleles (0.002%); highest among the groups gnomAD compares: East Asian, 0.011%; no homozygotes.

Submissions (3):

CeGaT Center for Human Genetics Tuebingen
Classification: Likely pathogenic. Last evaluated: 2023-10-01. Review status: criteria provided, single submitter. Criteria: CeGaT Center For Human Genetics Tuebingen Variant Classification Criteria Version 2. Collection method: clinical testing. Allele origin: germline. Affected: yes. Observed: 1 variant allele.
Comment: GBA1: PM1, PM2, PM5, PM3:Supporting, PP4

Blueprint Genetics
Classification: Uncertain significance. Last evaluated: 2023-03-24. Review status: criteria provided, single submitter. Criteria: ACMG Guidelines, 2015. Collection method: clinical testing. Allele origin: germline.

GeneDx
Classification: Uncertain significance. Last evaluated: 2019-08-15. Review status: criteria provided, single submitter. Criteria: GeneDx Variant Classification Process June 2021. Collection method: clinical testing. Allele origin: germline. Affected: yes.
Comment: Identified in patients with Parkinson disease in published literature but familial segregation information, in vitro functional studies, and additional clinical information were not included (Jesus et al., 2016; Gustavsson et al., 2019); Different missense changes at this residue (p.R301G, p.R301H) have been reported in the published literature in patients with GBA-related disorders; however, familial segregation information, in vitro functional studies, and additional clinical information were not included (Duran et al., 2012; Nichols et al., 2009; Nalls et al., 2013); Missense variants in nearby residues reported in the Human Gene Mutation Database in individuals with GBA-related disorders (Stenson et al., 2014); In silico analysis, which includes protein predictors and evolutionary conservation, supports that this variant does not alter protein structure/function; This variant is associated with the following publications: (PMID: 30640063, 28030538)